The following is an entry in ClinVar:

ClinVar aggregate classification (germline): Uncertain significance (1 of 4 stars; one submission).

Conditions:
Primary ciliary dyskinesia. Also called: Ciliary dyskinesia. Identifiers: Orphanet 244, MedGen C0008780, MONDO:0016575, HP:0012265.

gnomAD v4.1: 13 of 1,614,124 alleles (0.00081%); highest among the groups gnomAD compares: Non-Finnish European, 0.0011%; no homozygotes.

Submission:

Ambry Genetics
Classification: Uncertain significance for Primary ciliary dyskinesia. Last evaluated: 2026-05-14. Review status: criteria provided, single submitter. Criteria: Ambry Variant Classification Scheme 2023. Collection method: clinical testing. Allele origin: germline.
Comment: The p.V2698L variant (also known as c.8092G>T), located in coding exon 49 of the DNAH5 gene, results from a G to T substitution at nucleotide position 8092. The valine at codon 2698 is replaced by leucine, an amino acid with highly similar properties. This amino acid position is conserved. In addition, this alteration is predicted to be tolerated by in silico analysis. Based on the available evidence, the clinical significance of this variant remains unclear.

NM_001369.3(DNAH5):c.8092G>T (p.Val2698Leu)

Gene: DNAH5 (dynein axonemal heavy chain 5; minus strand). Cytogenetic location: 5p15.2.
Variant type: single nucleotide variant.
Coding change: c.8092G>T on transcript NM_001369.3 (MANE Select); coding-DNA position 8092, G replaced by T.
Protein change: p.Val2698Leu; replaces valine 2698 with leucine.
Molecular consequence: missense variant.
Genome position (GRCh38, 1-based): chr5:13,793,647, C>A on the plus strand (G>T on the coding strand, the complement: DNAH5 is on the minus strand). VCF-style: chr5-13793647-C-A. GRCh37 (hg19) VCF-style: chr5-13793756-C-A.
Other names: short protein forms V2698L.
Identifiers: ClinVar variation 4869959 (VCV004869959.1).
Genomic context (GRCh38, chr5:13,793,647, plus strand): 5'-GGGGTATGTCATTGCGTCCACCACCAGGATGGATCATGGCTGCCAAAAACTGGATGTCCA[C>A]GATGCTGGTGAACTCCCCAGGCTTCTCTAGATTATAGAATCCATTTTGTTCCATCAGCTG-3'
Protein context (NP_001360.1, residues 2688-2708): LEKPGEFTSI[Val2698Leu]DIQFLAAMIH